The following is an entry in ClinVar:

ClinVar aggregate classification (germline): Uncertain significance. Review status: criteria provided, multiple submitters, no conflicts (2 of 4 stars). 4 submissions from 4 submitters: Uncertain significance (4). Last evaluated 2023-01-25.

Conditions:
Noonan syndrome 9 (NS9). Identifiers: Orphanet 648, MedGen C4225282, MONDO:0014691, OMIM 616559.

gnomAD v4.1: 2 of 1,614,110 alleles (0.00012%); highest among the groups gnomAD compares: Non-Finnish European, 0.00017%; no homozygotes.

Submissions (4):

Revvity Omics, Revvity
Classification: Uncertain significance for Noonan syndrome 9. Last evaluated: 2023-01-25. Review status: criteria provided, single submitter. Criteria: ACMG Guidelines, 2015. Collection method: clinical testing. Allele origin: germline.

Labcorp Genetics (formerly Invitae), Labcorp
Classification: Uncertain significance for Noonan syndrome 9. Last evaluated: 2020-11-28. Review status: criteria provided, single submitter. Criteria: Invitae Variant Classification Sherloc (09022015). Collection method: clinical testing. Allele origin: germline.
Comment: This variant is not present in population databases (ExAC no frequency). This variant has not been reported in the literature in individuals with SOS2-related conditions. Advanced modeling of protein sequence and biophysical properties (such as structural, functional, and spatial information, amino acid conservation, physicochemical variation, residue mobility, and thermodynamic stability) performed at Invitae indicates that this missense variant is not expected to disrupt SOS2 protein function. In summary, the available evidence is currently insufficient to determine the role of this variant in disease. Therefore, it has been classified as a Variant of Uncertain Significance. This sequence change replaces isoleucine with valine at codon 459 of the SOS2 protein (p.Ile459Val). The isoleucine residue is moderately conserved and there is a small physicochemical difference between isoleucine and valine.

GeneDx
Classification: Uncertain significance. Last evaluated: 2019-03-25. Review status: criteria provided, single submitter. Criteria: GeneDx Variant Classification Process June 2021. Collection method: clinical testing. Allele origin: germline. Affected: yes.
Comment: Not observed in large population cohorts (Lek et al., 2016); In silico analysis, which includes protein predictors and evolutionary conservation, supports that this variant does not alter protein structure/function; Has not been previously published as pathogenic or benign to our knowledge

Genome-Nilou Lab
Classification: Uncertain significance for Noonan syndrome 9. Review status: criteria provided, single submitter. Criteria: ACMG Guidelines, 2015. Collection method: clinical testing. Allele origin: germline.

NM_006939.4(SOS2):c.1375A>G (p.Ile459Val)

Gene: SOS2 (SOS Ras/Rho guanine nucleotide exchange factor 2; minus strand). Cytogenetic location: 14q21.3.
Variant type: single nucleotide variant.
Coding change: c.1375A>G on transcript NM_006939.4 (MANE Select); coding-DNA position 1375, A replaced by G.
Protein change: p.Ile459Val; replaces isoleucine 459 with valine.
Molecular consequence: missense variant.
Genome position (GRCh38, 1-based): chr14:50,159,908, T>C on the plus strand (A>G on the coding strand, the complement: SOS2 is on the minus strand). VCF-style: chr14-50159908-T-C. GRCh37 (hg19) VCF-style: chr14-50626626-T-C.
Other names: short protein forms I459V.
Identifiers: ClinVar variation 1308303 (VCV001308303.12), dbSNP rs886268693, ClinGen allele CA260736245.
Genomic context (GRCh38, chr14:50,159,908, plus strand): 5'-GAAGCCGAGTCTGGCCATGATTAGGTTTACAACTGATCATTAAGCCATCAAACAGAAAAA[T>C]ATGCCGTTCATGTTTGGCACCGATTCTTGTCAATGGTCCCTCCATAATGAATTCATTACA-3'
Protein context (NP_008870.2, residues 449-469): TRIGAKHERH[Ile459Val]FLFDGLMISC